The following is an entry in ClinVar:

NM_000268.4(NF2):c.1453A>G (p.Asn485Asp)

Gene: NF2 (NF2, moesin-ezrin-radixin like (MERLIN) tumor suppressor; plus strand). Cytogenetic location: 22q12.2.
Variant type: single nucleotide variant.
Coding change: c.1453A>G on transcript NM_000268.4 (MANE Select); coding-DNA position 1453, A replaced by G.
Protein change: p.Asn485Asp; replaces asparagine 485 with aspartic acid.
Molecular consequence: missense variant. On other transcripts: non-coding transcript variant (1), intron variant (1).
Genome position (GRCh38, 1-based): chr22:29,678,202, A>G. VCF-style: chr22-29678202-A-G. GRCh37 (hg19) VCF-style: chr22-30074191-A-G.
Other names: c.1339A>G, p.Asn447Asp (NM_001407053.1, NM_001407056.1); c.1330A>G, p.Asn444Asp (NM_001407054.1, NM_001407058.1, NM_181829.3); c.1327A>G, p.Asn443Asp (NM_001407055.1, NM_181828.3); c.1318A>G, p.Asn440Asp (NM_001407057.1, NM_001407059.1); c.1453A>G, p.Asn485Asp (NM_001407060.1, NM_001407066.1, NM_016418.5 and 2 more transcripts); c.1195A>G, p.Asn399Asp (NM_001407062.1); c.1204A>G, p.Asn402Asp (NM_001407063.1, NM_001407064.1, NM_181830.3 and 1 more transcripts); c.919A>G, p.Asn307Asp (NM_001407065.1); and 2 more; short protein forms N307D, N399D, N402D, N408D, N440D, N443D, N444D, N447D.
Identifiers: ClinVar variation 4883806 (VCV004883806.2).

ClinVar aggregate classification (germline): Uncertain significance (1 of 4 stars; one submission).

Conditions:
Neurofibromatosis, type 2 (SWNV). Also called: BILATERAL ACOUSTIC NEUROFIBROMATOSIS; NF2-Related Schwannomatosis; SCHWANNOMATOSIS, VESTIBULAR. Identifiers: Orphanet 637, MedGen C0027832, MONDO:0007039, OMIM 101000. Disease mechanism: loss of function.

Submission:

Dasa
Classification: Uncertain significance for NF2-related schwannomatosis. Last evaluated: 2026-01-22. Review status: criteria provided, single submitter. Criteria: DASA Assertion Criteria. Collection method: clinical testing. Allele origin: germline.
Comment: NM_000268.4(NF2):c.1453A>G (p.Asn485Asp) is a missense variant that results in the substitution of asparagine with aspartic acid. This variant is absent from population databases. The currently available literature and clinical evidence are not sufficient to establish a definitive association between this variant and the reported condition. Therefore, this variant is classified as a variant of uncertain significance.